The following is an entry in ClinVar:

NM_006269.2(RP1):c.4955G>A (p.Arg1652His)

Genes: RP1 (RP1 axonemal microtubule associated; plus strand), LOC126860392 (CDK7 strongly-dependent group 2 enhancer GRCh37_chr8:55541319-55542518; plus strand). Cytogenetic location: 8q12.1.
Variant type: single nucleotide variant.
Coding change: c.4955G>A on transcript NM_006269.2 (MANE Select); coding-DNA position 4955, G replaced by A.
Protein change: p.Arg1652His; replaces arginine 1652 with histidine.
Molecular consequence: missense variant. On other transcripts: intron variant (1).
Genome position (GRCh38, 1-based): chr8:54,628,837, G>A. VCF-style: chr8-54628837-G-A. GRCh37 (hg19) VCF-style: chr8-55541397-G-A.
Other names: c.787+6549G>A (NM_001375654.1); short protein forms R1652H.
Identifiers: ClinVar variation 2738390 (VCV002738390.7), dbSNP rs760740229, ClinGen allele CA4751977.

ClinVar aggregate classification (germline): Conflicting classifications of pathogenicity. Review status: criteria provided, conflicting classifications (1 of 4 stars). 4 submissions from 4 submitters: Uncertain significance (2); Likely benign (1). 1 of the submissions does not count toward it. Last evaluated 2024-08-19.

Conditions:
Retinal dystrophy. Also called: Inherited retinal dystrophy. Identifiers: Orphanet 71862, MedGen C0854723, MeSH D058499, MONDO:0019118, HP:0000556.
Retinitis pigmentosa 1 (RP1). Identifiers: Orphanet 791, MedGen C0220701, MONDO:0008377, OMIM 180100.

gnomAD v4.1: 18 of 1,614,062 alleles (0.0011%); highest among the groups gnomAD compares: South Asian, 0.0044%; no homozygotes.

Submissions (4):

Blueprint Genetics
Classification: Likely benign. Last evaluated: 2024-08-19. Review status: criteria provided, single submitter. Criteria: ACMG Guidelines, 2015. Collection method: clinical testing. Allele origin: germline.

Labcorp Genetics (formerly Invitae), Labcorp
Classification: Uncertain significance. Last evaluated: 2023-10-17. Review status: criteria provided, single submitter. Criteria: Invitae Variant Classification Sherloc (09022015). Collection method: clinical testing. Allele origin: germline.
Comment: This sequence change replaces arginine, which is basic and polar, with histidine, which is basic and polar, at codon 1652 of the RP1 protein (p.Arg1652His). This variant is present in population databases (rs760740229, gnomAD 0.006%). This variant has not been reported in the literature in individuals affected with RP1-related conditions. Algorithms developed to predict the effect of missense changes on protein structure and function output the following: SIFT: "Not Available"; PolyPhen-2: "Benign"; Align-GVGD: "Not Available". The histidine amino acid residue is found in multiple mammalian species, which suggests that this missense change does not adversely affect protein function. In summary, the available evidence is currently insufficient to determine the role of this variant in disease. Therefore, it has been classified as a Variant of Uncertain Significance.

Juno Genomics, Hangzhou Juno Genomics, Inc
Classification: Uncertain significance for Retinitis pigmentosa 1. Review status: criteria provided, single submitter. Criteria: ACMG Guidelines, 2015. Collection method: clinical testing. Allele origin: germline.
Comment: Absent from controls (or at extremely low frequency if recessive) in Genome Aggregation Database.

Institute of Human Genetics, Univ. Regensburg, Univ. Regensburg
Classification: Uncertain significance for Retinal dystrophy. Last evaluated: 2022-01-01. Review status: no assertion criteria provided. Criteria: ACMG Guidelines, 2015. Collection method: clinical testing. Allele origin: germline. Affected: yes. Not counted in ClinVar's aggregate classification.